The following is an entry in ClinVar:

ClinVar aggregate classification (germline): Uncertain significance. Review status: criteria provided, multiple submitters, no conflicts (2 of 4 stars). 3 submissions from 3 submitters: Uncertain significance (3). Last evaluated 2026-06-26.

Conditions:
COL9A3-related disorder. Also called: COL9A3-related condition.

Allele frequency attached by ClinVar (database versions not stated): TOPMed 0.00002; gnomAD 0.00003; gnomAD exomes 0.00006 and 0.00010; ExAC 0.00010; 1000 Genomes Project 30x 0.00016; 1000 Genomes Project 0.00020.
gnomAD v4.1: 88 of 1,565,768 alleles (0.0056%); highest among the groups gnomAD compares: Middle Eastern, 0.56%; no homozygotes.

Submissions (3):

PreventionGenetics, part of Exact Sciences
Classification: Uncertain significance for COL9A3-related condition. Last evaluated: 2026-06-26. Review status: criteria provided, single submitter. Criteria: ACMG Guidelines, 2015. Collection method: clinical testing. Allele origin: germline.
Comment: The COL9A3 c.1161+5G>A variant is predicted to interfere with splicing. To our knowledge, this variant has not been reported in the literature. This variant is present in 0.034% of alleles in individuals of Latino descent in gnomAD. At this time, the clinical significance of this variant is uncertain due to the absence of conclusive functional and genetic evidence.

Labcorp Genetics (formerly Invitae), Labcorp
Classification: Uncertain significance. Last evaluated: 2026-01-15. Review status: criteria provided, single submitter. Criteria: Invitae Variant Classification Sherloc (09022015). Collection method: clinical testing. Allele origin: germline.
Comment: This sequence change falls in intron 22 of the COL9A3 gene. It does not directly change the encoded amino acid sequence of the COL9A3 protein. It affects a nucleotide within the consensus splice site. This variant is present in population databases (rs557188373, gnomAD 0.03%). This variant has not been reported in the literature in individuals affected with COL9A3-related conditions. ClinVar contains an entry for this variant (Variation ID: 1524708). Variants that disrupt the consensus splice site are a relatively common cause of aberrant splicing (PMID: 17576681, 9536098). Algorithms developed to predict the effect of sequence changes on RNA splicing suggest that this variant may disrupt the consensus splice site. In summary, the available evidence is currently insufficient to determine the role of this variant in disease. Therefore, it has been classified as a Variant of Uncertain Significance.

Blueprint Genetics
Classification: Uncertain significance. Last evaluated: 2024-08-09. Review status: criteria provided, single submitter. Criteria: ACMG Guidelines, 2015. Collection method: clinical testing. Allele origin: germline.

Literature cited by the submitters: PubMed 17576681 (cited by Labcorp Genetics (formerly Invitae), Labcorp); PubMed 9536098 (cited by Labcorp Genetics (formerly Invitae), Labcorp).

NM_001853.4(COL9A3):c.1161+5G>A

Gene: COL9A3 (collagen type IX alpha 3 chain; plus strand). Cytogenetic location: 20q13.33.
Variant type: single nucleotide variant.
Coding change: c.1161+5G>A on transcript NM_001853.4 (MANE Select); 5 bases into the intron after coding-DNA position 1161, G replaced by A.
Molecular consequence: intron variant.
Genome position (GRCh38, 1-based): chr20:62,829,824, G>A. VCF-style: chr20-62829824-G-A. GRCh37 (hg19) VCF-style: chr20-61461176-G-A.
Other names: c.1161+5G>A (NM_001853.3).
Identifiers: ClinVar variation 1524708 (VCV001524708.8), dbSNP rs557188373, ClinGen allele CA9949786.